The following is an entry in ClinVar:

ClinVar aggregate classification (germline): Uncertain significance (1 of 4 stars; one submission).

Submission:

Labcorp Genetics (formerly Invitae), Labcorp
Classification: Uncertain significance. Last evaluated: 2022-10-17. Review status: criteria provided, single submitter. Criteria: Invitae Variant Classification Sherloc (09022015). Collection method: clinical testing. Allele origin: germline.
Comment: In summary, the available evidence is currently insufficient to determine the role of this variant in disease. Therefore, it has been classified as a Variant of Uncertain Significance. Advanced modeling of protein sequence and biophysical properties (such as structural, functional, and spatial information, amino acid conservation, physicochemical variation, residue mobility, and thermodynamic stability) performed at Invitae indicates that this missense variant is not expected to disrupt PDX1 protein function. ClinVar contains an entry for this variant (Variation ID: 1520303). This variant has not been reported in the literature in individuals affected with PDX1-related conditions. This variant is not present in population databases (gnomAD no frequency). This sequence change replaces glycine, which is neutral and non-polar, with arginine, which is basic and polar, at codon 216 of the PDX1 protein (p.Gly216Arg).

NM_000209.4(PDX1):c.646G>C (p.Gly216Arg)

Gene: PDX1 (pancreatic and duodenal homeobox 1; plus strand). Cytogenetic location: 13q12.2.
Variant type: single nucleotide variant.
Coding change: c.646G>C on transcript NM_000209.4 (MANE Select); coding-DNA position 646, G replaced by C.
Protein change: p.Gly216Arg; replaces glycine 216 with arginine.
Molecular consequence: missense variant.
Genome position (GRCh38, 1-based): chr13:27,924,495, G>C. VCF-style: chr13-27924495-G-C. GRCh37 (hg19) VCF-style: chr13-28498632-G-C.
Other names: short protein forms G216R.
Identifiers: ClinVar variation 1520303 (VCV001520303.6), dbSNP rs1049166702, ClinGen allele CA387646225.
Genomic context (GRCh38, chr13:27,924,495, plus strand): 5'-AACCGCCGCATGAAGTGGAAAAAGGAGGAGGACAAGAAGCGCGGCGGCGGGACAGCTGTC[G>C]GGGGTGGCGGGGTCGCGGAGCCTGAGCAGGACTGCGCCGTGACCTCCGGCGAGGAGCTTC-3'
Protein context (NP_000200.1, residues 206-226): DKKRGGGTAV[Gly216Arg]GGGVAEPEQD